The following is an entry in ClinVar:

ClinVar aggregate classification (germline): Pathogenic (1 of 4 stars; one submission).

Conditions:
Dyskeratosis congenita, autosomal recessive 5 (DKCB5). Identifiers: MedGen C3554656, MONDO:0014076, OMIM 615190.
Pulmonary fibrosis and/or bone marrow failure, Telomere-related, 3. Also called: PULMONARY FIBROSIS AND/OR BONE MARROW FAILURE SYNDROME, TELOMERE-RELATED, 3. Identifiers: Orphanet 2032, MedGen C4225346, MONDO:0014613, OMIM 616373.

Submission:

Labcorp Genetics (formerly Invitae), Labcorp
Classification: Pathogenic for Dyskeratosis congenita, autosomal recessive 5; Pulmonary fibrosis and/or bone marrow failure, Telomere-related, 3. Last evaluated: 2020-07-01. Review status: criteria provided, single submitter. Criteria: Invitae Variant Classification Sherloc (09022015). Collection method: clinical testing. Allele origin: germline.
Comment: For these reasons, this variant has been classified as Pathogenic. Loss-of-function variants in RTEL1 are known to be pathogenic (PMID: 23453664, 23959892, 25607374). This variant has not been reported in the literature in individuals with RTEL1-related conditions. This variant is not present in population databases (ExAC no frequency). This sequence change creates a premature translational stop signal (p.Ile398Metfs*56) in the RTEL1 gene. It is expected to result in an absent or disrupted protein product.

Literature cited by the submitters: PubMed 23453664; PubMed 23959892; PubMed 25607374.

NM_001283009.2(RTEL1):c.1194del (p.Ile398fs)

Genes: RTEL1 (regulator of telomere elongation helicase 1; plus strand), RTEL1-TNFRSF6B (RTEL1-TNFRSF6B readthrough (NMD candidate); plus strand). Cytogenetic location: 20q13.33.
Variant type: Deletion.
Coding change: c.1194del on transcript NM_001283009.2 (MANE Select); coding-DNA position 1194, one base deleted (T; older notation c.1194delT).
Protein change: p.Ile398fs; shifts the reading frame from isoleucine 398.
Molecular consequence: frameshift variant. On other transcripts: non-coding transcript variant (1).
Genome position (GRCh38, 1-based): chr20:63,685,525, T deleted; the last of 2 consecutive T bases (chr20:63,685,524-63,685,525); deleting either gives the same sequence. VCF-style (leftmost placement, unchanged base first): chr20-63685523-AT-A. GRCh37 (hg19) VCF-style: chr20-62316876-AT-A.
Other names: c.525del, p.Ile175fs (NM_001283010.1); c.1194del, p.Ile398fs (NM_016434.4); c.1266del, p.Ile422fs (NM_032957.5); short protein forms I175fs, I398fs, I422fs.
Identifiers: ClinVar variation 1076873 (VCV001076873.7), dbSNP rs2145411193, ClinGen allele CA2499225828.
Genomic context (GRCh38, chr20:63,685,523, plus strand): 5'-GCTGCAGAAAGTCGGGTGGCCTCAGGCTCCTGACGGGGCTGCACTTCCTCTGCCTTTCAG[AT>A]TGTGTTCAGTGTGGACCCCTCCGAGGGCAGCCCTGGTTCCCCAGCAGGGCTGGGGGCCTT-3'